The following is an entry in ClinVar:

ClinVar aggregate classification (germline): Uncertain significance. Review status: criteria provided, multiple submitters, no conflicts (2 of 4 stars). 2 submissions from 2 submitters: Uncertain significance (2). Last evaluated 2025-12-05.

Conditions:
Inborn genetic diseases. Identifiers: MedGen C0950123, MeSH D030342.

Allele frequency attached by ClinVar (database versions not stated): gnomAD exomes below 0.00001; ExAC 0.00001; gnomAD 0.00005 and 0.00006; TOPMed 0.00013; 1000 Genomes Project 30x 0.00016; 1000 Genomes Project 0.00020.
gnomAD v4.1: 15 of 1,614,170 alleles (0.00093%); highest among the groups gnomAD compares: Admixed American, 0.017%; no homozygotes.

Submissions (2):

Labcorp Genetics (formerly Invitae), Labcorp
Classification: Uncertain significance. Last evaluated: 2025-12-05. Review status: criteria provided, single submitter. Criteria: Invitae Variant Classification Sherloc (09022015). Collection method: clinical testing. Allele origin: germline.
Comment: This sequence change replaces histidine, which is basic and polar, with arginine, which is basic and polar, at codon 415 of the DEAF1 protein (p.His415Arg). This variant is present in population databases (rs192026177, gnomAD 0.003%). This variant has not been reported in the literature in individuals affected with DEAF1-related conditions. ClinVar contains an entry for this variant (Variation ID: 1429677). Invitae Evidence Modeling of protein sequence and biophysical properties (such as structural, functional, and spatial information, amino acid conservation, physicochemical variation, residue mobility, and thermodynamic stability) indicates that this missense variant is not expected to disrupt DEAF1 protein function with a negative predictive value of 95%. In summary, the available evidence is currently insufficient to determine the role of this variant in disease. Therefore, it has been classified as a Variant of Uncertain Significance.

Ambry Genetics
Classification: Uncertain significance for Inborn genetic diseases. Last evaluated: 2025-08-07. Review status: criteria provided, single submitter. Criteria: Ambry Variant Classification Scheme 2023. Collection method: clinical testing. Allele origin: germline.

NM_021008.4(DEAF1):c.1244A>G (p.His415Arg)

Gene: DEAF1 (DEAF1 transcription factor; minus strand). Cytogenetic location: 11p15.5.
Variant type: single nucleotide variant.
Coding change: c.1244A>G on transcript NM_021008.4 (MANE Select); coding-DNA position 1244, A replaced by G.
Protein change: p.His415Arg; replaces histidine 415 with arginine.
Molecular consequence: missense variant.
Genome position (GRCh38, 1-based): chr11:678,705, T>C on the plus strand (A>G on the coding strand, the complement: DEAF1 is on the minus strand). VCF-style: chr11-678705-T-C. GRCh37 (hg19) VCF-style: chr11-678705-T-C.
Other names: c.977A>G, p.His326Arg (NM_001293634.2); c.518A>G, p.His173Arg (NM_001367390.1); short protein forms H326R, H173R, H415R.
Identifiers: ClinVar variation 1429677 (VCV001429677.8), dbSNP rs192026177, ClinGen allele CA5786274.